The following is an entry in ClinVar:

ClinVar aggregate classification (germline): Likely benign (1 of 4 stars; one submission).

Submission:

CeGaT Center for Human Genetics Tuebingen
Classification: Likely benign. Last evaluated: 2024-12-01. Review status: criteria provided, single submitter. Criteria: CeGaT Center For Human Genetics Tuebingen Variant Classification Criteria Version 2. Collection method: clinical testing. Allele origin: germline. Affected: yes. Observed: 1 variant allele.
Comment: CLCN2: BP4, BP7

NM_004366.6(CLCN2):c.2364C>T (p.Cys788=)

Gene: CLCN2 (chloride voltage-gated channel 2; minus strand). Cytogenetic location: 3q27.1.
Variant type: single nucleotide variant.
Coding change: c.2364C>T on transcript NM_004366.6 (MANE Select); coding-DNA position 2364, C replaced by T.
Protein change: p.Cys788=; no amino-acid change (cysteine 788 retained).
Molecular consequence: synonymous variant.
Genome position (GRCh38, 1-based): chr3:184,352,064, G>A on the plus strand (C>T on the coding strand, the complement: CLCN2 is on the minus strand). VCF-style: chr3-184352064-G-A. GRCh37 (hg19) VCF-style: chr3-184069852-G-A.
Other names: c.2313C>T, p.Cys771= (NM_001171087.3); c.2232C>T, p.Cys744= (NM_001171088.3); c.2364C>T, p.Cys788= (NM_001171089.3).
Identifiers: ClinVar variation 3772038 (VCV003772038.13).